The following is an entry in ClinVar:

NM_001267550.2(TTN):c.209del (p.Val70fs)

Gene: TTN (titin; minus strand). Cytogenetic location: 2q31.2.
Variant type: Deletion.
Coding change: c.209del on transcript NM_001267550.2 (MANE Select); coding-DNA position 209, one base deleted (T; older notation c.209delT).
Protein change: p.Val70fs; shifts the reading frame from valine 70.
Molecular consequence: frameshift variant.
Genome position (GRCh38, 1-based): chr2:178,802,224, A deleted on the plus strand (T on the coding strand, the reverse complement: TTN is on the minus strand). VCF-style (leftmost placement, unchanged base first): chr2-178802223-CA-C. GRCh37 (hg19) VCF-style: chr2-179666950-CA-C.
Other names: c.209del, p.Val70fs (NM_001256850.1, NM_003319.4, NM_133378.4 and 3 more transcripts); short protein forms V70fs.
Identifiers: ClinVar variation 1021177 (VCV001021177.9), dbSNP rs2094105154, ClinGen allele CA1310628741.

ClinVar aggregate classification (germline): Likely pathogenic (1 of 4 stars; one submission).

Conditions:
Dilated cardiomyopathy 1G (CMD1G). Identifiers: Orphanet 154, MedGen C1858763, MONDO:0011400, OMIM 604145.
Autosomal recessive limb-girdle muscular dystrophy type 2J (LGMDR10). Also called: MUSCULAR DYSTROPHY, LIMB-GIRDLE, AUTOSOMAL RECESSIVE 10; Limb-girdle muscular dystrophy, type 2J. Identifiers: Orphanet 140922, MedGen C1837342, MONDO:0012127, OMIM 608807.

Submission:

Labcorp Genetics (formerly Invitae), Labcorp
Classification: Likely pathogenic for Dilated cardiomyopathy 1G; Autosomal recessive limb-girdle muscular dystrophy type 2J. Last evaluated: 2024-11-04. Review status: criteria provided, single submitter. Criteria: Invitae Variant Classification Sherloc (09022015). Collection method: clinical testing. Allele origin: germline.
Comment: This sequence change creates a premature translational stop signal (p.Val70Glyfs*11) in the TTN gene. While this is not anticipated to result in nonsense mediated decay, it is expected to create a truncated TTN protein. This variant is not present in population databases (gnomAD no frequency). This variant has not been observed in the literature in individuals with autosomal recessive TTN-related conditions. This variant has been reported in individual(s) with dilated cardiomyopathy (internal data); however, the role of the variant in this condition is currently unclear. ClinVar contains an entry for this variant (Variation ID: 1021177). This variant is located in the Z band of TTN (PMID: 25589632). Truncating variants in this region have been reported in individuals affected with autosomal recessive centronuclear myopathy (PMID: 33449170, internal data). Truncating variants in this region have also been identified in individuals affected with autosomal dominant dilated cardiomyopathy and/or cardio-related conditions (PMID: 27869827, 32964742, internal data). In summary, the currently available evidence indicates that the variant is pathogenic, but additional data are needed to prove that conclusively. Therefore, this variant has been classified as Likely Pathogenic.

Literature cited by the submitters: PubMed 25589632; PubMed 33449170; PubMed 27869827; PubMed 32964742.